The following is an entry in ClinVar:

ClinVar aggregate classification (germline): Conflicting classifications of pathogenicity. Review status: criteria provided, conflicting classifications (1 of 4 stars). 2 submissions from 2 submitters: Uncertain significance (1); Likely benign (1). Last evaluated 2025-05-14.

Conditions:
Cardiovascular phenotype. Identifiers: MedGen CN230736.

Submissions (2):

Ambry Genetics
Classification: Likely benign for Cardiovascular phenotype. Last evaluated: 2025-05-14. Review status: criteria provided, single submitter. Criteria: Ambry Variant Classification Scheme 2023. Collection method: clinical testing. Allele origin: germline.

Mayo Clinic Laboratories, Mayo Clinic
Classification: Uncertain significance. Last evaluated: 2025-02-01. Review status: criteria provided, single submitter. Criteria: ACMG Guidelines, 2015. Collection method: clinical testing. Allele origin: germline. Observed: 1 variant allele.
Comment: BP4, PM2_supporting

NM_001148.6(ANK2):c.1006C>T (p.Leu336=)

Gene: ANK2 (ankyrin 2; plus strand). Cytogenetic location: 4q26.
Variant type: single nucleotide variant.
Coding change: c.1006C>T on transcript NM_001148.6 (MANE Select); coding-DNA position 1006, C replaced by T.
Protein change: p.Leu336=; no amino-acid change (leucine 336 retained).
Molecular consequence: synonymous variant.
Genome position (GRCh38, 1-based): chr4:113,255,750, C>T. VCF-style: chr4-113255750-C-T. GRCh37 (hg19) VCF-style: chr4-114176906-C-T.
Other names: p.Leu336=; c.943C>T, p.Leu315= (NM_001127493.3, NM_001354239.2, NM_001354243.2 and 14 more transcripts); c.1006C>T, p.Leu336= (NM_020977.5, NM_001354225.2, NM_001354228.2 and 9 more transcripts); c.1051C>T, p.Leu351= (NM_001354230.2, NM_001354231.2, NM_001354237.2 and 5 more transcripts); c.919C>T, p.Leu307= (NM_001354249.2, NM_001354260.2, NM_001354264.2 and 16 more transcripts); c.964C>T, p.Leu322= (NM_001354261.2, NM_001386147.1, NM_001386160.1); c.994C>T, p.Leu332= (NM_001354269.3, NM_001386148.2, NM_001386186.2); c.1006C>T (NM_020977.4); and 3 more.
Identifiers: ClinVar variation 4051163 (VCV004051163.2).
Genomic context (GRCh38, chr4:113,255,750, plus strand): 5'-ATGAAAAAAAAAAAGGACATTATTTTGTTTTCTTTTAATGTGCAGAATGGGCTGTCTCCA[C>T]TACACATGGCTGCCCAGGGAGACCACGTGGAATGTGTGAAGCACCTGTTACAGCACAAGG-3'
Protein context (NP_001139.3, residues 326-346): LARTKNGLSP[Leu336=]HMAAQGDHVE